The following is an entry in ClinVar:

NM_000222.3(KIT):c.2435G>C (p.Gly812Ala)

Gene: KIT (KIT proto-oncogene, receptor tyrosine kinase; plus strand). Cytogenetic location: 4q12.
Variant type: single nucleotide variant.
Coding change: c.2435G>C on transcript NM_000222.3 (MANE Select); coding-DNA position 2435, G replaced by C.
Protein change: p.Gly812Ala; replaces glycine 812 with alanine.
Molecular consequence: missense variant.
Genome position (GRCh38, 1-based): chr4:54,733,143, G>C. VCF-style: chr4-54733143-G-C. GRCh37 (hg19) VCF-style: chr4-55599309-G-C.
Other names: c.2423G>C, p.Gly808Ala (NM_001093772.2, NM_001385292.1); c.2438G>C, p.Gly813Ala (NM_001385284.1); c.2432G>C, p.Gly811Ala (NM_001385285.1); c.2420G>C, p.Gly807Ala (NM_001385286.1); c.2426G>C, p.Gly809Ala (NM_001385288.1); c.2435G>C, p.Gly812Ala (NM_001385290.1); short protein forms G807A, G808A, G809A, G811A, G812A, G813A.
Identifiers: ClinVar variation 2706493 (VCV002706493.3), dbSNP rs2109801595, ClinGen allele CA356911802.

ClinVar aggregate classification (germline): Uncertain significance (1 of 4 stars; one submission).

Conditions:
Gastrointestinal stromal tumor. Also called: Gastrointestinal stromal tumor, somatic; Gastrointestinal stroma tumor. Identifiers: Orphanet 44890, MedGen C0238198, MeSH D046152, MONDO:0011719, OMIM 606764, HP:0100723.

Submission:

Labcorp Genetics (formerly Invitae), Labcorp
Classification: Uncertain significance for Gastrointestinal stromal tumor. Last evaluated: 2023-12-30. Review status: criteria provided, single submitter. Criteria: Invitae Variant Classification Sherloc (09022015). Collection method: clinical testing. Allele origin: germline.
Comment: This sequence change replaces glycine, which is neutral and non-polar, with alanine, which is neutral and non-polar, at codon 812 of the KIT protein (p.Gly812Ala). This variant is not present in population databases (gnomAD no frequency). This variant has not been reported in the literature in individuals affected with KIT-related conditions. An algorithm developed to predict the effect of missense changes on protein structure and function (PolyPhen-2) suggests that this variant is likely to be disruptive. In summary, the available evidence is currently insufficient to determine the role of this variant in disease. Therefore, it has been classified as a Variant of Uncertain Significance.